The following is an entry in ClinVar:

ClinVar aggregate classification (germline): Conflicting classifications of pathogenicity. Review status: criteria provided, conflicting classifications (1 of 4 stars). 2 submissions from 2 submitters: Uncertain significance (1); Likely benign (1). Last evaluated 2025-05-25.

Conditions:
Hereditary cancer-predisposing syndrome. Also called: Hereditary neoplastic syndrome; Neoplastic Syndromes, Hereditary; Hereditary Cancer Syndrome; Tumor predisposition. Identifiers: Orphanet 140162, MedGen C0027672, MeSH D009386, MONDO:0015356.

Allele frequency attached by ClinVar (database versions not stated): gnomAD exomes below 0.00001; TOPMed below 0.00001; gnomAD 0.00001.
gnomAD v4.1: 2 of 1,611,758 alleles (0.00012%); highest among the groups gnomAD compares: Non-Finnish European, 0.00017%; no homozygotes.

Submissions (2):

Ambry Genetics
Classification: Uncertain significance for Hereditary cancer-predisposing syndrome. Last evaluated: 2025-05-25. Review status: criteria provided, single submitter. Criteria: Ambry Variant Classification Scheme 2023. Collection method: clinical testing. Allele origin: germline.
Comment: The c.1687-5G>A intronic variant results from a G to A substitution 5 nucleotides upstream from coding exon 16 in the POLE gene. This nucleotide position is not well conserved in available vertebrate species. In silico splice site analysis predicts that this alteration will not have any significant effect on splicing. Based on the available evidence, the clinical significance of this variant remains unclear.

Labcorp Genetics (formerly Invitae), Labcorp
Classification: Likely benign. Last evaluated: 2022-10-06. Review status: criteria provided, single submitter. Criteria: Invitae Variant Classification Sherloc (09022015). Collection method: clinical testing. Allele origin: germline.

NM_006231.4(POLE):c.1687-5G>A

Gene: POLE (DNA polymerase epsilon, catalytic subunit; minus strand). Cytogenetic location: 12q24.33.
Variant type: single nucleotide variant.
Coding change: c.1687-5G>A on transcript NM_006231.4 (MANE Select); 5 bases into the intron before coding-DNA position 1687, G replaced by A.
Molecular consequence: intron variant.
Genome position (GRCh38, 1-based): chr12:132,672,327, C>T on the plus strand (G>A on the coding strand, the complement: POLE is on the minus strand). VCF-style: chr12-132672327-C-T. GRCh37 (hg19) VCF-style: chr12-133248913-C-T.
Other names: c.1687-5G>A (NM_006231.2).
Identifiers: ClinVar variation 2170948 (VCV002170948.5), dbSNP rs1489245076, ClinGen allele CA685554133.
Genomic context (GRCh38, chr12:132,672,327, plus strand): 5'-GCGTGGCGCAAGGTCTTCTCAACCCGCTGCAGCAGGAAGTCAAAGGCGGCAGGATTCTAG[C>T]ACAACAGTGAGACGACGGGGTCAGAGGGGAAACACACCCACACTAGCCTGCCTCAGGTTT-3'